The following is an entry in ClinVar:

ClinVar aggregate classification (germline): Uncertain significance (1 of 4 stars; one submission).

Submission:

Dasa
Classification: Uncertain significance. Last evaluated: 2024-07-02. Review status: criteria provided, single submitter. Criteria: DASA Assertion Criteria. Collection method: clinical testing. Allele origin: germline.
Comment: NM_000090.4(COL3A1):c.2225A>T (p.Asp742Val) is a missense variant that results in the substitution of aspartic acid with valine. Multiple computational predictions support a deleterious effect on the gene or gene product. Based on the available data, this variant is classified as variant of uncertain significance.

NM_000090.4(COL3A1):c.2225A>T (p.Asp742Val)

Gene: COL3A1 (collagen type III alpha 1 chain; plus strand). Cytogenetic location: 2q32.2.
Variant type: single nucleotide variant.
Coding change: c.2225A>T on transcript NM_000090.4 (MANE Select); coding-DNA position 2225, A replaced by T.
Protein change: p.Asp742Val; replaces aspartic acid 742 with valine.
Molecular consequence: missense variant.
Genome position (GRCh38, 1-based): chr2:188,999,573, A>T. VCF-style: chr2-188999573-A-T. GRCh37 (hg19) VCF-style: chr2-189864299-A-T.
Other names: short protein forms D742V.
Identifiers: ClinVar variation 4851901 (VCV004851901.1).